The following is an entry in ClinVar:

ClinVar aggregate classification (germline): Uncertain significance (1 of 4 stars; one submission).

Conditions:
Ehlers-Danlos syndrome, spondylodysplastic type, 2 (EDSSPD2). Also called: Ehlers-Danlos syndrome, progeroid type, 2. Identifiers: Orphanet 536467, Orphanet 75496, MedGen C3809210, MONDO:0014139, OMIM 615349.
Spondyloepimetaphyseal dysplasia with joint laxity (SEMDJL). Identifiers: MedGen C0432243, MONDO:0019675.

Allele frequency attached by ClinVar (database versions not stated): TOPMed below 0.00001.
gnomAD v4.1: 2 of 1,559,916 alleles (0.00013%); highest among the groups gnomAD compares: Non-Finnish European, 0.00017%; no homozygotes.

Submission:

Labcorp Genetics (formerly Invitae), Labcorp
Classification: Uncertain significance for Ehlers-Danlos syndrome, spondylodysplastic type, 2; Spondyloepimetaphyseal dysplasia with joint laxity. Last evaluated: 2024-02-16. Review status: criteria provided, single submitter. Criteria: Invitae Variant Classification Sherloc (09022015). Collection method: clinical testing. Allele origin: germline.
Comment: This sequence change replaces tyrosine, which is neutral and polar, with serine, which is neutral and polar, at codon 208 of the B3GALT6 protein (p.Tyr208Ser). This variant is not present in population databases (gnomAD no frequency). This variant has not been reported in the literature in individuals affected with B3GALT6-related conditions. ClinVar contains an entry for this variant (Variation ID: 1484075). Advanced modeling of protein sequence and biophysical properties (such as structural, functional, and spatial information, amino acid conservation, physicochemical variation, residue mobility, and thermodynamic stability) performed at Invitae indicates that this missense variant is not expected to disrupt B3GALT6 protein function with a negative predictive value of 80%. In summary, the available evidence is currently insufficient to determine the role of this variant in disease. Therefore, it has been classified as a Variant of Uncertain Significance.

NM_080605.4(B3GALT6):c.623A>C (p.Tyr208Ser)

Gene: B3GALT6 (beta-1,3-galactosyltransferase 6; plus strand). Cytogenetic location: 1p36.33.
Variant type: single nucleotide variant.
Coding change: c.623A>C on transcript NM_080605.4 (MANE Select); coding-DNA position 623, A replaced by C.
Protein change: p.Tyr208Ser; replaces tyrosine 208 with serine.
Molecular consequence: missense variant.
Genome position (GRCh38, 1-based): chr1:1,232,901, A>C. VCF-style: chr1-1232901-A-C. GRCh37 (hg19) VCF-style: chr1-1168281-A-C.
Other names: short protein forms Y208S.
Identifiers: ClinVar variation 1484075 (VCV001484075.7), dbSNP rs1638560291, ClinGen allele CA337827879.